The following is an entry in ClinVar:

NM_004706.4(ARHGEF1):c.1103A>T (p.Glu368Val)

Gene: ARHGEF1 (Rho guanine nucleotide exchange factor 1; plus strand). Cytogenetic location: 19q13.2.
Variant type: single nucleotide variant.
Coding change: c.1103A>T on transcript NM_004706.4 (MANE Select); coding-DNA position 1103, A replaced by T.
Protein change: p.Glu368Val; replaces glutamic acid 368 with valine.
Molecular consequence: missense variant. On other transcripts: non-coding transcript variant (2).
Genome position (GRCh38, 1-based): chr19:41,896,464, A>T. VCF-style: chr19-41896464-A-T. GRCh37 (hg19) VCF-style: chr19-42400537-A-T.
Other names: c.1103A>T, p.Glu368Val (NM_001396000.1, NM_001396003.1, NM_001396006.1); c.1004A>T, p.Glu335Val (NM_001396002.1, NM_001396004.1, NM_198977.2); c.1148A>T, p.Glu383Val (NM_199002.2); short protein forms E335V, E368V, E383V.
Identifiers: ClinVar variation 2718879 (VCV002718879.3), dbSNP rs1345603531, ClinGen allele CA406056242.

ClinVar aggregate classification (germline): Uncertain significance (1 of 4 stars; one submission).

Allele frequency attached by ClinVar (database versions not stated): gnomAD exomes below 0.00001; TOPMed 0.00002.
gnomAD v4.1: 5 of 1,478,236 alleles (0.00034%); highest among the groups gnomAD compares: Non-Finnish European, 0.00009%; no homozygotes.

Submission:

Labcorp Genetics (formerly Invitae), Labcorp
Classification: Uncertain significance. Last evaluated: 2023-12-09. Review status: criteria provided, single submitter. Criteria: Invitae Variant Classification Sherloc (09022015). Collection method: clinical testing. Allele origin: germline.
Comment: This sequence change replaces glutamic acid, which is acidic and polar, with valine, which is neutral and non-polar, at codon 383 of the ARHGEF1 protein (p.Glu383Val). The frequency data for this variant in the population databases is considered unreliable, as metrics indicate poor data quality at this position in the gnomAD database. This variant has not been reported in the literature in individuals affected with ARHGEF1-related conditions. An algorithm developed to predict the effect of missense changes on protein structure and function (PolyPhen-2) suggests that this variant is likely to be disruptive. In summary, the available evidence is currently insufficient to determine the role of this variant in disease. Therefore, it has been classified as a Variant of Uncertain Significance.